The following is an entry in ClinVar:

NM_000719.7(CACNA1C):c.3404T>A (p.Ile1135Asn)

Gene: CACNA1C (calcium voltage-gated channel subunit alpha1 C; plus strand). Cytogenetic location: 12p13.33.
Variant type: single nucleotide variant.
Coding change: c.3404T>A on transcript NM_000719.7 (MANE Select); coding-DNA position 3404, T replaced by A.
Protein change: p.Ile1135Asn; replaces isoleucine 1135 with asparagine.
Molecular consequence: missense variant.
Genome position (GRCh38, 1-based): chr12:2,608,558, T>A. VCF-style: chr12-2608558-T-A. GRCh37 (hg19) VCF-style: chr12-2717724-T-A.
Other names: c.3464T>A, p.Ile1155Asn (NM_001129827.2, NM_001129832.2, NM_199460.4); c.3404T>A, p.Ile1135Asn (NM_001129829.2, NM_001129830.3, NM_001129831.2 and 15 more transcripts); c.3395T>A, p.Ile1132Asn (NM_001129844.2); short protein forms I1132N, I1135N, I1155N.
Identifiers: ClinVar variation 3359473 (VCV003359473.1).

ClinVar aggregate classification (germline): Uncertain significance (1 of 4 stars; one submission).

Submission:

GeneDx
Classification: Uncertain significance. Last evaluated: 2023-06-05. Review status: criteria provided, single submitter. Criteria: GeneDx Variant Classification Process June 2021. Collection method: clinical testing. Allele origin: germline. Affected: yes.
Comment: Not observed at significant frequency in large population cohorts (gnomAD); In silico analysis supports that this missense variant has a deleterious effect on protein structure/function; Has not been previously published as pathogenic or benign to our knowledge